The following is an entry in ClinVar:

NM_001160372.4(TRAPPC9):c.1953G>A (p.Pro651=)

Gene: TRAPPC9 (trafficking protein particle complex subunit 9; minus strand). Cytogenetic location: 8q24.3.
Variant type: single nucleotide variant.
Coding change: c.1953G>A on transcript NM_001160372.4 (MANE Select); coding-DNA position 1953, G replaced by A.
Protein change: p.Pro651=; no amino-acid change (proline 651 retained).
Molecular consequence: synonymous variant. On other transcripts: non-coding transcript variant (1).
Genome position (GRCh38, 1-based): chr8:140,287,636, C>T on the plus strand (G>A on the coding strand, the complement: TRAPPC9 is on the minus strand). VCF-style: chr8-140287636-C-T. GRCh37 (hg19) VCF-style: chr8-141297735-C-T.
Other names: c.1926G>A, p.Pro642= (NM_001321646.2); c.1974G>A, p.Pro658= (NM_001374682.1); c.1953G>A, p.Pro651= (NM_001374683.1, NM_031466.8); c.1809G>A, p.Pro603= (NM_001374684.1).
Identifiers: ClinVar variation 2904131 (VCV002904131.16), dbSNP rs769023812, ClinGen allele CA4893260.

ClinVar aggregate classification (germline): Likely benign. Review status: criteria provided, multiple submitters, no conflicts (2 of 4 stars). 2 submissions from 2 submitters: Likely benign (2). Last evaluated 2025-01-01.

Allele frequency attached by ClinVar (database versions not stated): gnomAD 0.00003; gnomAD exomes 0.00003; ExAC 0.00004; TOPMed 0.00005.
gnomAD v4.1: 57 of 1,613,998 alleles (0.0035%); highest among the groups gnomAD compares: East Asian, 0.018%; no homozygotes.

Submissions (2):

CeGaT Center for Human Genetics Tuebingen
Classification: Likely benign. Last evaluated: 2025-01-01. Review status: criteria provided, single submitter. Criteria: CeGaT Center For Human Genetics Tuebingen Variant Classification Criteria Version 2. Collection method: clinical testing. Allele origin: germline. Affected: yes. Observed: 1 variant allele.
Comment: TRAPPC9: BP4, BP7

Labcorp Genetics (formerly Invitae), Labcorp
Classification: Likely benign. Last evaluated: 2023-12-08. Review status: criteria provided, single submitter. Criteria: Invitae Variant Classification Sherloc (09022015). Collection method: clinical testing. Allele origin: germline.